The following is an entry in ClinVar:

ClinVar aggregate classification (germline): Pathogenic. Review status: reviewed by expert panel (3 of 4 stars). 16 submissions from 16 submitters: Pathogenic (1). 15 of the submissions do not count toward it. Last evaluated 2023-08-29.

Conditions:
CDH1-related diffuse gastric and lobular breast cancer syndrome. Also called: CDH1-related diffuse gastric and lobular breast cancer. Identifiers: MedGen CN311521, MONDO:0100488.
Hereditary cancer-predisposing syndrome. Also called: Neoplastic Syndromes, Hereditary; Tumor predisposition; Hereditary Cancer Syndrome; Hereditary neoplastic syndrome. Identifiers: Orphanet 140162, MedGen C0027672, MeSH D009386, MONDO:0015356.
Hereditary diffuse gastric adenocarcinoma (HDGC). Also called: DIFFUSE GASTRIC AND LOBULAR BREAST CANCER SYNDROME. Identifiers: Orphanet 26106, MedGen C1708349, MONDO:0007648, OMIM 137215.
Familial cancer of breast. Also called: Hereditary breast cancer; BREAST CANCER, FAMILIAL; hereditary breast carcinoma. Identifiers: Orphanet 227535, MedGen C0346153, MONDO:0016419, OMIM 114480. Disease mechanism: loss of function.

Allele frequency attached by ClinVar (database versions not stated): gnomAD exomes below 0.00001.
gnomAD v4.1: 2 of 1,614,142 alleles (0.00012%); highest among the groups gnomAD compares: Non-Finnish European, 0.00017%; no homozygotes.

Submissions 1 to 13 of 16:

Clingen Gastric Cancer Variant Curation Expert Panel
Classification: Pathogenic for CDH1-related diffuse gastric and lobular breast cancer syndrome. Last evaluated: 2023-08-29. Review status: reviewed by expert panel. Criteria: ClinGen CDH1 ACMG Specifications V3.1. Collection method: curation. Allele origin: germline. Inheritance: Autosomal dominant inheritance.
Comment: The c.1792C>T (p.Arg598*) variant is predicted to result in a premature stop codon that leads to a truncated or absent protein (PVS1, PM5_Supporting). This variant is absent in the gnomAD cohort (PM2_Supporting). This variant was found to co-segregate with disease in multiple affected family members, with >7 meioses observed across at least two families (PP1_Strong; PMID: 21696387, 16061854, 11419427 and SCV000275702.5). This variant has also been reported in at least four families meeting HDGC clinical criteria (PS4_Strong; PMID: 9751616, 21696387, 16061854, 11419427). There is one known de novo observation of this variant with parental confirmation in a patient with diffuse gastric cancer and/or lobular breast cancer (PS2; PMID: 21696387). In summary, this variant meets criteria to be classified as pathogenic based on the ACMG/AMP criteria applied as specified by the CDH1 Variant Curation Expert Panel (Variant Interpretation Guidelines Version 3.1): PVS1, PM2_Supporting, PP1_Strong, PS4, PS2, PM5_Supporting.

Ambry Genetics
Classification: Pathogenic for Hereditary cancer-predisposing syndrome. Last evaluated: 2025-10-15. Review status: criteria provided, single submitter. Criteria: Ambry Variant Classification Scheme 2023. Collection method: clinical testing. Allele origin: germline. Not counted in ClinVar's aggregate classification.
Comment: The p.R598* pathogenic mutation (also known as c.1792C>T), located in coding exon 12 of the CDH1 gene, results from a C to T substitution at nucleotide position 1792. This changes the amino acid from an arginine to a stop codon within coding exon 12. This mutation has been observed in multiple hereditary diffuse gastric cancer (HDGC) kindreds (Gayther SA et al. Cancer Res. 1998 Sep 15;58(18):4086-9; Humar B et al. Hum Mutat. 2002 May;19(5):518-25; Pinheiro H et al. Hum. Mol. Genet. 2010 Mar;19:943-52; Suriano G et al. Clin. Cancer Res. 2005 Aug;11:5401-9), including one HDGC family in which the mutation was confirmed to be de novo (Shah MA et al. Clin. Genet. 2012 Sep;82:283-7). This alteration was also identified in 4 of 94 Maori individuals from New Zealand who were diagnosed with early onset diffuse gastric cancer (Hakkaart C et al. Fam. Cancer. 2019 01;18:83-90). This variant is considered to be rare based on population cohorts in the Genome Aggregation Database (gnomAD). In addition to the clinical data presented in the literature, this alteration is expected to result in loss of function by premature protein truncation or nonsense-mediated mRNA decay. As such, this alteration is interpreted as a disease-causing mutation.

Labcorp Genetics (formerly Invitae), Labcorp
Classification: Pathogenic for Hereditary diffuse gastric adenocarcinoma. Last evaluated: 2024-09-08. Review status: criteria provided, single submitter. Criteria: Invitae Variant Classification Sherloc (09022015). Collection method: clinical testing. Allele origin: germline. Not counted in ClinVar's aggregate classification.
Comment: This sequence change creates a premature translational stop signal (p.Arg598*) in the CDH1 gene. It is expected to result in an absent or disrupted protein product. Loss-of-function variants in CDH1 are known to be pathogenic (PMID: 15235021, 20373070). This variant is not present in population databases (gnomAD no frequency). This premature translational stop signal has been observed in individual(s) with gastric and/or breast cancer (PMID: 9751616, 11419427, 16061854, 18788075, 21271559, 21696387). ClinVar contains an entry for this variant (Variation ID: 12241). For these reasons, this variant has been classified as Pathogenic.

Baylor Genetics
Classification: Pathogenic for Familial cancer of breast. Last evaluated: 2024-02-23. Review status: criteria provided, single submitter. Criteria: ACMG Guidelines, 2015. Collection method: clinical testing. Allele origin: unknown. Not counted in ClinVar's aggregate classification.

GeneDx
Classification: Pathogenic. Last evaluated: 2024-02-02. Review status: criteria provided, single submitter. Criteria: GeneDx Variant Classification Process June 2021. Collection method: clinical testing. Allele origin: germline. Affected: yes. Not counted in ClinVar's aggregate classification.
Comment: Nonsense variant predicted to result in protein truncation or nonsense mediated decay in a gene for which loss-of-function is a known mechanism of disease; Observed in several individuals with clinical histories consistent with Hereditary Diffuse Gastric Cancer (PMID: 9751616, 11419427, 11968084, 16061854, 18442100, 29589180); Not observed at significant frequency in large population cohorts (gnomAD); This variant is associated with the following publications: (PMID: 9751616, 25525159, 23812922, 21424370, 30745422, 17545690, 11419427, 11968084, 15457549, 16061854, 18442100, 20373070, 21271559, 22524656, 22225527, 20233471, 19965908, 18788075, 29589180, 21696387)

CeGaT Center for Human Genetics Tuebingen
Classification: Pathogenic. Last evaluated: 2024-01-01. Review status: criteria provided, single submitter. Criteria: CeGaT Center For Human Genetics Tuebingen Variant Classification Criteria Version 2. Collection method: clinical testing. Allele origin: germline. Affected: yes. Observed: 1 variant allele. Not counted in ClinVar's aggregate classification.
Comment: CDH1: PVS1, PM2, PP1:Moderate, PS4:Moderate, PS2:Supporting

Color Diagnostics, LLC DBA Color Health
Classification: Pathogenic for Hereditary cancer-predisposing syndrome. Last evaluated: 2023-03-15. Review status: criteria provided, single submitter. Criteria: ACMG Guidelines, 2015. Collection method: clinical testing. Allele origin: germline. Not counted in ClinVar's aggregate classification.
Comment: This variant changes 1 nucleotide in exon 12 of the CDH1 gene, creating a premature translation stop signal. This variant is expected to result in an absent or non-functional protein product. This variant has been reported in individuals affected with diffuse gastric cancer (PMID: 9751616, 11419427, 11968084, 16061854, 18788075, 19965908, 21696387, 28688938, 29589180) and lobular breast cancer (PMID: 18442100). This variant has not been identified in the general population by the Genome Aggregation Database (gnomAD). Loss of CDH1 function is a known mechanism of disease. Based on the available evidence, this variant is classified as Pathogenic.

Myriad Genetics, Inc.
Classification: Pathogenic for Hereditary diffuse gastric adenocarcinoma. Last evaluated: 2023-03-07. Review status: criteria provided, single submitter. Criteria: Myriad Autosomal Dominant, Autosomal Recessive and X-Linked Classification Criteria (2023). Collection method: clinical testing. Allele origin: unknown. Not counted in ClinVar's aggregate classification.
Comment: This variant is considered pathogenic. This variant creates a termination codon and is predicted to result in premature protein truncation.

Clinical Genetics Laboratory, Skane University Hospital Lund
Classification: Pathogenic. Last evaluated: 2022-08-26. Review status: criteria provided, single submitter. Criteria: ACMG Guidelines, 2015. Collection method: clinical testing. Allele origin: germline. Affected: yes. Not counted in ClinVar's aggregate classification.

European Reference Network on Genetic Tumour Risk Syndromes (ERN-GENTURIS), i3s - Instituto de Investigação e Inovação em Saúde, University of Porto
Classification: Pathogenic for Hereditary diffuse gastric adenocarcinoma. Last evaluated: 2022-08-01. Review status: criteria provided, single submitter. Criteria: Lee et al. (Hum Mutat. 2018). Collection method: clinical testing. Allele origin: germline. Inheritance: Autosomal dominant inheritance. Affected: yes. Study: ERN GENTURIS. Not counted in ClinVar's aggregate classification.
Comment: PVS1; PS2; PS4; PM2; PP1_Strong (PMID: 30311375)

Quest Diagnostics Nichols Institute San Juan Capistrano
Classification: Pathogenic. Last evaluated: 2020-04-03. Review status: criteria provided, single submitter. Criteria: Quest Diagnostics criteria. Collection method: clinical testing. Allele origin: unknown. Not counted in ClinVar's aggregate classification.
Comment: This nonsense variant causes the premature termination of CDH1 protein synthesis. In addition, it has been reported in individuals and families affected with breast and/or gastric cancer in the published literature (PMID: 21696387 (2012), 21271559 (2011), 18788075 (2008), 16061854 (2005), 11419427 (2001), 9751616 (1998)). Based on the available information, this variant is classified as pathogenic.

Counsyl
Classification: Pathogenic for Hereditary diffuse gastric adenocarcinoma. Last evaluated: 2017-05-15. Review status: no assertion criteria provided. Collection method: clinical testing. Allele origin: unknown. Not counted in ClinVar's aggregate classification.

OMIM
Classification: Pathogenic for DIFFUSE GASTRIC AND LOBULAR BREAST CANCER SYNDROME. Last evaluated: 2001-06-21. Review status: no assertion criteria provided. Collection method: literature only. Allele origin: germline. Not counted in ClinVar's aggregate classification.

NM_004360.5(CDH1):c.1792C>T (p.Arg598Ter)

Gene: CDH1 (cadherin 1; plus strand). Cytogenetic location: 16q22.1.
Variant type: single nucleotide variant.
Coding change: c.1792C>T on transcript NM_004360.5 (MANE Select); coding-DNA position 1792, C replaced by T.
Protein change: p.Arg598Ter; replaces arginine 598 with a stop codon.
Molecular consequence: nonsense. On other transcripts: 5 prime UTR variant (1).
Genome position (GRCh38, 1-based): chr16:68,822,081, C>T. VCF-style: chr16-68822081-C-T. GRCh37 (hg19) VCF-style: chr16-68855984-C-T.
Other names: NM_004360.4(CDH1):c.1792C>T; c.1609C>T, p.Arg537Ter (NM_001317184.2); c.244C>T, p.Arg82Ter (NM_001317185.2); c.-174C>T (NM_001317186.2); c.1792C>T, p.Arg598Ter (LRG_301t1); short protein forms R598*, R537*, R82*.
Identifiers: ClinVar variation 12241 (VCV000012241.58), dbSNP rs121964877, ClinGen allele CA281000.